The following is an entry in ClinVar:

NM_144596.4(TTC8):c.470G>C (p.Arg157Thr)

Gene: TTC8 (tetratricopeptide repeat domain 8; plus strand). Cytogenetic location: 14q31.3.
Variant type: single nucleotide variant.
Coding change: c.470G>C on transcript NM_144596.4 (MANE Select); coding-DNA position 470, G replaced by C.
Protein change: p.Arg157Thr; replaces arginine 157 with threonine.
Molecular consequence: missense variant. On other transcripts: 5 prime UTR variant (2), non-coding transcript variant (1).
Genome position (GRCh38, 1-based): chr14:88,841,177, G>C. VCF-style: chr14-88841177-G-C. GRCh37 (hg19) VCF-style: chr14-89307521-G-C.
Other names: c.440G>C, p.Arg147Thr (NM_001288781.1, NM_001366535.2, NM_001366536.2 and 2 more transcripts); c.-123G>C (NM_001288782.1); c.-218G>C (NM_001288783.1); short protein forms R147T, R157T.
Identifiers: ClinVar variation 216842 (VCV000216842.6), dbSNP rs754686957, ClinGen allele CA337978.
Genomic context (GRCh38, chr14:88,841,177, plus strand): 5'-AGGCTATCAGAACACCCAGAACCGCCTACACAGCCCGCCCTATCACCAGCTCCTCCGGAA[G>C]ATTTGTCAGGCTGGGAACGGTAAATTCTATCAGCTTTCCCATAGCCTTGTATTACTTTGG-3'
Protein context (NP_653197.2, residues 147-167): TARPITSSSG[Arg157Thr]FVRLGTASML

ClinVar aggregate classification (germline): Uncertain significance (1 of 4 stars; one submission).

Conditions:
Bardet-Biedl syndrome (BBS). Identifiers: Orphanet 110, MedGen C0752166, MONDO:0015229.

gnomAD v4.1: 6 of 1,614,062 alleles (0.00037%); highest among the groups gnomAD compares: Non-Finnish European, 0.00051%; no homozygotes.

Submission:

Labcorp Genetics (formerly Invitae), Labcorp
Classification: Uncertain significance for Bardet-Biedl syndrome. Last evaluated: 2022-02-10. Review status: criteria provided, single submitter. Criteria: Invitae Variant Classification Sherloc (09022015). Collection method: clinical testing. Allele origin: germline.
Comment: This sequence change replaces arginine, which is basic and polar, with threonine, which is neutral and polar, at codon 147 of the TTC8 protein (p.Arg147Thr). This variant is not present in population databases (gnomAD no frequency). This variant has not been reported in the literature in individuals affected with TTC8-related conditions. ClinVar contains an entry for this variant (Variation ID: 216842). Experimental studies and prediction algorithms are not available or were not evaluated, and the functional significance of this variant is currently unknown. In summary, the available evidence is currently insufficient to determine the role of this variant in disease. Therefore, it has been classified as a Variant of Uncertain Significance.